The following is an entry in ClinVar:

ClinVar aggregate classification (germline): Pathogenic. Review status: criteria provided, multiple submitters, no conflicts (2 of 4 stars). 3 submissions from 3 submitters: Pathogenic (2). 1 of the submissions does not count toward it. Last evaluated 2025-08-27.

Conditions:
FGFR2-related disorder. Identifiers: MedGen CN380096.
Bent bone dysplasia syndrome 1 (BBDS1). Also called: FGFR2-related bent bone dysplasia. Identifiers: Orphanet 313855, MedGen C3281247, MONDO:0013815, OMIM 614592.

Submissions (3):

PreventionGenetics, part of Exact Sciences
Classification: Pathogenic for FGFR2-related condition. Last evaluated: 2025-08-27. Review status: criteria provided, single submitter. Criteria: ACMG Guidelines, 2015. Collection method: clinical testing. Allele origin: germline.
Comment: The FGFR2 c.1172T>G variant is predicted to result in the amino acid substitution p.Met391Arg. This variant has been reported with de novo occurrence in at least five individuals with bent bone dysplasia (see for example, Merrill et al. 2012. PubMed ID: 22387015; Krakow et al. 2016. PubMed ID: 27240702 Gabriel et al. 2021. PubMed ID: 34958143). Functional studies also supported deleterious effects of this variant (Merrill et al. 2012. PubMed ID: 22387015). This variant has not been reported in a large population database (gnomAD), indicating it is rare. This variant is interpreted as pathogenic.

GeneDx
Classification: Pathogenic. Last evaluated: 2015-09-14. Review status: criteria provided, single submitter. Criteria: GeneDx Variant Classification (06012015). Collection method: clinical testing. Allele origin: germline. Affected: yes.
Comment: The M391R variant in the FGFR2 gene has been reported previously in the heterozygous state and presumed de novo in three unrelated fetuses described to have a perinatal lethal skeletal dysplasia called bent bone dysplasia syndrome (Merrill et al., 2012). Features in these fetuses included craniosyostosis, poorly mineralized calvarium, dysmorphic facial features, prenatal teeth, hypoplastic pubis and clavicles, osteopenia, and bent long bones (Merrill et al., 2012). Functional studies of the M391R substitutiondetermined it results in reduction of plasma membrane levels of FGFR2, thus diminishing receptor responsiveness to extracellular fibroblast growth factors (Merrill et al., 2012). Further studies of M391R revealed enhanced nuclear FGFR2 activity, with direct interaction with ribosomal RNA, ultimately promoting proliferation and reducing osteoblast differentiation in osteoprogenitor cells (Neben et al., 2014). The M391R variant was not observed in approximately 6,500 individuals of European and African American ancestry in the NHLBI Exome Sequencing Project, indicating it is not a common benign variant in these populations. The M391R variant is a non-conservative amino acid substitution, which is likely to impact secondary protein structure as these residues differ in polarity, charge, size and/or other properties. This substitution occurs at a position within the transmembrane domain that is conserved across species. In silico analysis is inconsistent in its predictions as to whether or not the variant is damaging to the protein structure/function. We interpret M391R as a pathogenic variant.

OMIM
Classification: Pathogenic for BENT BONE DYSPLASIA SYNDROME 1. Last evaluated: 2012-03-09. Review status: no assertion criteria provided. Collection method: literature only. Allele origin: germline. Not counted in ClinVar's aggregate classification.

Literature cited by the submitters: PubMed 22387015 (cited by OMIM).

NM_000141.5(FGFR2):c.1172T>G (p.Met391Arg)

Gene: FGFR2 (fibroblast growth factor receptor 2; minus strand). Cytogenetic location: 10q26.13.
Variant type: single nucleotide variant.
Coding change: c.1172T>G on transcript NM_000141.5 (MANE Select); coding-DNA position 1172, T replaced by G.
Protein change: p.Met391Arg; replaces methionine 391 with arginine.
Molecular consequence: missense variant. On other transcripts: non-coding transcript variant (1), intron variant (1).
Genome position (GRCh38, 1-based): chr10:121,515,232, A>C on the plus strand (T>G on the coding strand, the complement: FGFR2 is on the minus strand). VCF-style: chr10-121515232-A-C. GRCh37 (hg19) VCF-style: chr10-123274746-A-C.
Other names: c.1175T>G, p.Met392Arg (NM_001144913.1, NM_022970.4); c.836T>G, p.Met279Arg (NM_001144914.1); c.905T>G, p.Met302Arg (NM_001144915.2, NM_023029.3); c.827T>G, p.Met276Arg (NM_001144916.2, NM_001144918.2); c.908T>G, p.Met303Arg (NM_001144919.2); c.488T>G, p.Met163Arg (NM_001320654.2); c.1172T>G, p.Met391Arg (NM_001320658.2); c.939+4747T>G (NM_001144917.2); short protein forms M391R, M392R, M163R, M303R, M276R, M279R, M302R.
Identifiers: ClinVar variation 29855 (VCV000029855.4), dbSNP rs387906677, ClinGen allele CA128693.